The following is an entry in ClinVar:

NM_000138.5(FBN1):c.4049G>A (p.Cys1350Tyr)

Gene: FBN1 (fibrillin 1; minus strand). Cytogenetic location: 15q21.1.
Variant type: single nucleotide variant.
Coding change: c.4049G>A on transcript NM_000138.5 (MANE Select); coding-DNA position 4049, G replaced by A.
Protein change: p.Cys1350Tyr; replaces cysteine 1350 with tyrosine.
Molecular consequence: missense variant.
Genome position (GRCh38, 1-based): chr15:48,474,566, C>T on the plus strand (G>A on the coding strand, the complement: FBN1 is on the minus strand). VCF-style: chr15-48474566-C-T. GRCh37 (hg19) VCF-style: chr15-48766763-C-T.
Other names: short protein forms C1350Y.
Identifiers: ClinVar variation 549203 (VCV000549203.8), dbSNP rs1555397718, ClinGen allele CA392320480.

ClinVar aggregate classification (germline): Pathogenic. Review status: criteria provided, single submitter (1 of 4 stars). 2 submissions from 2 submitters: Pathogenic (1). 1 of the submissions does not count toward it. Last evaluated 2025-08-31.

Conditions:
Familial thoracic aortic aneurysm and aortic dissection (TAAD). Also called: Thoracic aortic aneurysms and dissections. Identifiers: Orphanet 91387, MedGen C4707243, MONDO:0019625.
Marfan syndrome (MFS). Also called: Marfan syndrome type 1; Marfan syndrome, classic; Marfan's syndrome; FBN1-Related Marfan Syndrome; MARFAN SYNDROME, TYPE I. Identifiers: Orphanet 284963, Orphanet 558, MedGen C0024796, MONDO:0007947, OMIM 154700.

Submissions (2):

Labcorp Genetics (formerly Invitae), Labcorp
Classification: Pathogenic for Marfan syndrome; Familial thoracic aortic aneurysm and aortic dissection. Last evaluated: 2025-08-31. Review status: criteria provided, single submitter. Criteria: Invitae Variant Classification Sherloc (09022015). Collection method: clinical testing. Allele origin: germline.
Comment: This sequence change replaces cysteine, which is neutral and slightly polar, with tyrosine, which is neutral and polar, at codon 1350 of the FBN1 protein (p.Cys1350Tyr). This variant is not present in population databases (gnomAD no frequency). This missense change has been observed in individual(s) with Marfan syndrome (PMID: 19293843, 28855619). In at least one individual the variant was observed to be de novo. ClinVar contains an entry for this variant (Variation ID: 549203). Invitae Evidence Modeling of protein sequence and biophysical properties (such as structural, functional, and spatial information, amino acid conservation, physicochemical variation, residue mobility, and thermodynamic stability) indicates that this missense variant is expected to disrupt FBN1 protein function with a positive predictive value of 95%. This variant affects a cysteine residue in the EGF-like, TGFBP or hybrid motif domains of FBN1. Cysteine residues are believed to be involved in intramolecular disulfide bridges and have been shown to be important for FBN1 protein structure (PMID: 16905551, 19349279). In addition, missense substitutions affecting cysteine residues within these domains are significantly overrepresented among patients with Marfan syndrome (PMID: 16571647, 17701892). For these reasons, this variant has been classified as Pathogenic.

Center for Medical Genetics Ghent, University of Ghent
Classification: Pathogenic for Marfan syndrome. Last evaluated: 2017-11-07. Review status: no assertion criteria provided. Collection method: clinical testing. Allele origin: germline. Affected: yes. Not counted in ClinVar's aggregate classification.

Literature cited by the submitters: PubMed 19293843 (cited by Labcorp Genetics (formerly Invitae), Labcorp); PubMed 28855619 (cited by Labcorp Genetics (formerly Invitae), Labcorp); PubMed 16905551 (cited by Labcorp Genetics (formerly Invitae), Labcorp); PubMed 19349279 (cited by Labcorp Genetics (formerly Invitae), Labcorp); PubMed 16571647 (cited by Labcorp Genetics (formerly Invitae), Labcorp); PubMed 17701892 (cited by Labcorp Genetics (formerly Invitae), Labcorp).